The following is an entry in ClinVar:

NM_001330723.2(SNX27):c.1523A>G (p.Asn508Ser)

Gene: SNX27 (sorting nexin 27; plus strand). Cytogenetic location: 1q21.3.
Variant type: single nucleotide variant.
Coding change: c.1523A>G on transcript NM_001330723.2 (MANE Select); coding-DNA position 1523, A replaced by G.
Protein change: p.Asn508Ser; replaces asparagine 508 with serine.
Molecular consequence: missense variant.
Genome position (GRCh38, 1-based): chr1:151,693,428, A>G. VCF-style: chr1-151693428-A-G. GRCh37 (hg19) VCF-style: chr1-151665904-A-G.
Other names: c.1523A>G, p.Asn508Ser (NM_030918.6); short protein forms N508S.
Identifiers: ClinVar variation 1058746 (VCV001058746.2), dbSNP rs753870444, ClinGen allele CA1093712.

ClinVar aggregate classification (germline): Uncertain significance (1 of 4 stars; one submission).

Conditions:
Severe myoclonic epilepsy in infancy (DRVT). Also called: DEVELOPMENTAL AND EPILEPTIC ENCEPHALOPATHY 6A; Severe Myoclonic Epilepsy in Infancy (SMEI); Dravet syndrome; Epileptic encephalopathy, early infantile, 6 (Dravet syndrome); SEVERE MYOCLONIC EPILEPSY OF INFANCY. Identifiers: Orphanet 33069, MedGen C0751122, MONDO:0100135, OMIM 607208.

Allele frequency attached by ClinVar (database versions not stated): gnomAD exomes 0.00001 and 0.00002; ExAC 0.00002.
gnomAD v4.1: 22 of 1,613,976 alleles (0.0014%); highest among the groups gnomAD compares: Admixed American, 0.0033%; no homozygotes.

Submission:

Labcorp Genetics (formerly Invitae), Labcorp
Classification: Uncertain significance for Severe myoclonic epilepsy in infancy. Last evaluated: 2022-06-02. Review status: criteria provided, single submitter. Criteria: Invitae Variant Classification Sherloc (09022015). Collection method: clinical testing. Allele origin: germline.
Comment: This sequence change replaces asparagine, which is neutral and polar, with serine, which is neutral and polar, at codon 508 of the SNX27 protein (p.Asn508Ser). This variant is present in population databases (rs753870444, gnomAD 0.003%). This variant has not been reported in the literature in individuals affected with SNX27-related conditions. ClinVar contains an entry for this variant (Variation ID: 1058746). Algorithms developed to predict the effect of missense changes on protein structure and function are either unavailable or do not agree on the potential impact of this missense change (SIFT: "Tolerated"; PolyPhen-2: "Probably Damaging"; Align-GVGD: "Class C0"). Algorithms developed to predict the effect of sequence changes on RNA splicing suggest that this variant may create or strengthen a splice site. In summary, the available evidence is currently insufficient to determine the role of this variant in disease. Therefore, it has been classified as a Variant of Uncertain Significance.